The following is an entry in ClinVar:

NM_001013838.3(CARMIL2):c.959-8del

Gene: CARMIL2 (capping protein regulator and myosin 1 linker 2; plus strand). Cytogenetic location: 16q22.1.
Variant type: Deletion.
Coding change: c.959-8del on transcript NM_001013838.3 (MANE Select); 8 bases into the intron before coding-DNA position 959, one base deleted (A; older notation c.959-8delA).
Molecular consequence: intron variant.
Genome position (GRCh38, 1-based): chr16:67,647,838, A deleted. VCF-style (leftmost placement, unchanged base first): chr16-67647837-CA-C. GRCh37 (hg19) VCF-style: chr16-67681740-CA-C.
Other names: p.?; c.959-8del (NM_001317026.3).
Identifiers: ClinVar variation 1927307 (VCV001927307.6), dbSNP rs1206471318, ClinGen allele CA623120605.

ClinVar aggregate classification (germline): Likely benign. Review status: criteria provided, multiple submitters, no conflicts (2 of 4 stars). 2 submissions from 2 submitters: Likely benign (2). Last evaluated 2025-07-29.

Allele frequency attached by ClinVar (database versions not stated): gnomAD 0.00001; TOPMed 0.00001.

Submissions (2):

Mayo Clinic Laboratories, Mayo Clinic
Classification: Likely benign. Last evaluated: 2025-07-29. Review status: criteria provided, single submitter. Criteria: ACMG Guidelines, 2015. Collection method: clinical testing. Allele origin: germline. Observed: 1 variant allele.
Comment: BP4, BP7, PM2_supporting

Labcorp Genetics (formerly Invitae), Labcorp
Classification: Likely benign. Last evaluated: 2022-06-24. Review status: criteria provided, single submitter. Criteria: Invitae Variant Classification Sherloc (09022015). Collection method: clinical testing. Allele origin: germline.